The following is an entry in ClinVar:

NM_006379.5(SEMA3C):c.801+7A>T

Gene: SEMA3C (semaphorin 3C; minus strand). Cytogenetic location: 7q21.11.
Variant type: single nucleotide variant.
Coding change: c.801+7A>T on transcript NM_006379.5 (MANE Select); 7 bases into the intron after coding-DNA position 801, A replaced by T.
Molecular consequence: intron variant.
Genome position (GRCh38, 1-based): chr7:80,804,099, T>A on the plus strand (A>T on the coding strand, the complement: SEMA3C is on the minus strand). VCF-style: chr7-80804099-T-A. GRCh37 (hg19) VCF-style: chr7-80433415-T-A.
Other names: c.855+7A>T (NM_001350120.2, NM_001350120.1); c.627+7A>T (NM_001350121.2).
Identifiers: ClinVar variation 760759 (VCV000760759.4), dbSNP rs1209694316, ClinGen allele CA575803210.
Genomic context (GRCh38, chr7:80,804,099, plus strand): 5'-GCACGGAGATAAACCATAATTTGAATTTCTTGGTCTTTCTTCAAATCGGAACAGCATTAA[T>A]ACTTACAGGACATATTCGAGCAATCATGGAATGAATCTGTTTCGTGCTCCTGTTATTGTC-3'

ClinVar aggregate classification (germline): Likely benign. Review status: criteria provided, single submitter (1 of 4 stars). 2 submissions from 2 submitters: Likely benign (1). 1 of the submissions does not count toward it. Last evaluated 2018-07-15.

Conditions:
SEMA3C-related disorder. Also called: SEMA3C-related condition.

Allele frequency attached by ClinVar (database versions not stated): gnomAD 0.00001; gnomAD exomes 0.00001 and 0.00002; TOPMed 0.00002.
gnomAD v4.1: 15 of 1,604,458 alleles (0.00093%); highest among the groups gnomAD compares: Admixed American, 0.012%; no homozygotes.

Submissions (2):

Labcorp Genetics (formerly Invitae), Labcorp
Classification: Likely benign. Last evaluated: 2018-07-15. Review status: criteria provided, single submitter. Criteria: Invitae Variant Classification Sherloc (09022015). Collection method: clinical testing. Allele origin: germline.

PreventionGenetics, part of Exact Sciences
Classification: Likely benign for SEMA3C-related condition. Last evaluated: 2023-06-17. Review status: no assertion criteria provided. Collection method: clinical testing. Allele origin: germline. Not counted in ClinVar's aggregate classification.
Comment: This variant is classified as likely benign based on ACMG/AMP sequence variant interpretation guidelines (Richards et al. 2015 PMID: 25741868, with internal and published modifications).